The following is an entry in ClinVar:

NM_004415.4(DSP):c.666G>T (p.Arg222=)

Gene: DSP (desmoplakin; plus strand). Cytogenetic location: 6p24.3.
Variant type: single nucleotide variant.
Coding change: c.666G>T on transcript NM_004415.4 (MANE Select); coding-DNA position 666, G replaced by T.
Protein change: p.Arg222=; no amino-acid change (arginine 222 retained).
Molecular consequence: synonymous variant.
Genome position (GRCh38, 1-based): chr6:7,562,720, G>T. VCF-style: chr6-7562720-G-T. GRCh37 (hg19) VCF-style: chr6-7562953-G-T.
Other names: c.666G>T, p.Arg222= (NM_001008844.3, NM_001319034.2).
Identifiers: ClinVar variation 1172295 (VCV001172295.5), dbSNP rs2113665201, ClinGen allele CA448516354.

ClinVar aggregate classification (germline): Likely benign. Review status: criteria provided, multiple submitters, no conflicts (2 of 4 stars). 3 submissions from 3 submitters: Likely benign (3). Last evaluated 2024-10-15.

Conditions:
Arrhythmogenic cardiomyopathy with wooly hair and keratoderma. Also called: Dilated cardiomyopathy with woolly hair and keratoderma; PALMOPLANTAR KERATODERMA WITH LEFT VENTRICULAR CARDIOMYOPATHY AND WOOLLY HAIR; Carvajal syndrome; Arrhythmogenic cardiomyopathy with woolly hair and keratoderma. Identifiers: Orphanet 65282, MedGen C1854063, MONDO:0011581, OMIM 605676.
Arrhythmogenic right ventricular dysplasia 8 (ARVD8). Also called: Arrhythmogenic Right Ventricular Dysplasia/Cardiomyopathy 8; ARRHYTHMOGENIC RIGHT VENTRICULAR DYSPLASIA, FAMILIAL, 8; ARRHYTHMOGENIC RIGHT VENTRICULAR CARDIOMYOPATHY 8. Identifiers: MedGen C1843896, MONDO:0011831, OMIM 607450.
Cardiomyopathy (CMYO). Also called: Cardiomyopathies. Identifiers: Orphanet 167848, MedGen C0878544, MONDO:0004994, HP:0001638. Inheritance: Various modes of inheritance.

Allele frequency attached by ClinVar (database versions not stated): gnomAD exomes below 0.00001.
gnomAD v4.1: 4 of 1,614,120 alleles (0.00025%); highest among the groups gnomAD compares: Non-Finnish European, 0.00034%; no homozygotes.

Submissions (3):

Labcorp Genetics (formerly Invitae), Labcorp
Classification: Likely benign for Arrhythmogenic cardiomyopathy with wooly hair and keratoderma; Arrhythmogenic right ventricular dysplasia 8. Last evaluated: 2024-10-15. Review status: criteria provided, single submitter. Criteria: Invitae Variant Classification Sherloc (09022015). Collection method: clinical testing. Allele origin: germline.

All of Us Research Program, National Institutes of Health
Classification: Likely benign for Arrhythmogenic cardiomyopathy with wooly hair and keratoderma. Last evaluated: 2024-07-20. Review status: criteria provided, single submitter. Criteria: ACMG Guidelines, 2015. Collection method: clinical testing. Allele origin: germline. Inheritance: Autosomal dominant inheritance. Observed: 1 variant allele, 1 heterozygote.
Comment: This study involves interpretation of variants in research participants for the purpose of population health screening. Participant phenotype was not available at the time of variant classification. Additional details can be found in publication PMID: 35346344, PMCID: PMC8962531

Color Diagnostics, LLC DBA Color Health
Classification: Likely benign for Cardiomyopathy. Last evaluated: 2020-05-11. Review status: criteria provided, single submitter. Criteria: ACMG Guidelines, 2015. Collection method: clinical testing. Allele origin: germline.